The following is an entry in ClinVar:

ClinVar aggregate classification (germline): Pathogenic (1 of 4 stars; one submission).

Submission:

Labcorp Genetics (formerly Invitae), Labcorp
Classification: Pathogenic. Last evaluated: 2024-01-25. Review status: criteria provided, single submitter. Criteria: Invitae Variant Classification Sherloc (09022015). Collection method: clinical testing. Allele origin: germline.
Comment: This sequence change creates a premature translational stop signal (p.Gln49*) in the CFI gene. It is expected to result in an absent or disrupted protein product. Loss-of-function variants in CFI are known to be pathogenic (PMID: 15917334, 16621965, 19065647, 20016463, 22710145). This variant is not present in population databases (gnomAD no frequency). This variant has not been reported in the literature in individuals affected with CFI-related conditions. For these reasons, this variant has been classified as Pathogenic.

Literature cited by the submitters: PubMed 15917334; PubMed 16621965; PubMed 19065647; PubMed 20016463; PubMed 22710145.

NM_000204.5(CFI):c.145C>T (p.Gln49Ter)

Gene: CFI (complement factor I; minus strand). Cytogenetic location: 4q25.
Variant type: single nucleotide variant.
Coding change: c.145C>T on transcript NM_000204.5 (MANE Select); coding-DNA position 145, C replaced by T.
Protein change: p.Gln49Ter; replaces glutamine 49 with a stop codon.
Molecular consequence: nonsense. On other transcripts: non-coding transcript variant (3), intron variant (1).
Genome position (GRCh38, 1-based): chr4:109,766,737, G>A on the plus strand (C>T on the coding strand, the complement: CFI is on the minus strand). VCF-style: chr4-109766737-G-A. GRCh37 (hg19) VCF-style: chr4-110687893-G-A.
Other names: c.145C>T, p.Gln49Ter (NM_001318057.2, NM_001331035.2, NM_001375278.1 and 5 more transcripts); c.-127-5045C>T (NM_001375284.1); short protein forms Q49*.
Identifiers: ClinVar variation 2792277 (VCV002792277.3), dbSNP rs2545457223, ClinGen allele CA357865587.
Genomic context (GRCh38, chr4:109,766,737, plus strand): 5'-TTGGGCACTGATACGGTAGTTTACAAACACAGGTGCCCTCAATGCATCTCTGCCATGGCT[G>A]GCAGAAGACTTTATCGCAGGAGAGGTGAGTATATTTTTTTGCTAAGCACTTTTTCTCCAC-3'